The following is an entry in ClinVar:

ClinVar aggregate classification (germline): Benign. Review status: criteria provided, single submitter (1 of 4 stars). 2 submissions from 2 submitters: Benign (1). 1 of the submissions does not count toward it. Last evaluated 2025-10-12.

Conditions:
ASB10-related disorder. Also called: ASB10-related condition.

Allele frequency attached by ClinVar (database versions not stated): gnomAD 0.00070 and 0.00114; TOPMed 0.00135; 1000 Genomes Project 30x 0.00671; 1000 Genomes Project 0.00759.

Submissions (2):

Labcorp Genetics (formerly Invitae), Labcorp
Classification: Benign. Last evaluated: 2025-10-12. Review status: criteria provided, single submitter. Criteria: Invitae Variant Classification Sherloc (09022015). Collection method: clinical testing. Allele origin: germline.

PreventionGenetics, part of Exact Sciences
Classification: Benign for ASB10-related condition. Last evaluated: 2019-05-28. Review status: no assertion criteria provided. Collection method: clinical testing. Allele origin: germline. Not counted in ClinVar's aggregate classification.
Comment: This variant is classified as benign based on ACMG/AMP sequence variant interpretation guidelines (Richards et al. 2015 PMID: 25741868, with internal and published modifications).

NM_001142459.2(ASB10):c.1132C>T (p.Arg378Trp)

Gene: ASB10 (ankyrin repeat and SOCS box containing 10; minus strand). Cytogenetic location: 7q36.1.
Variant type: single nucleotide variant.
Coding change: c.1132C>T on transcript NM_001142459.2 (MANE Select); coding-DNA position 1132, C replaced by T.
Protein change: p.Arg378Trp; replaces arginine 378 with tryptophan.
Molecular consequence: missense variant. On other transcripts: intron variant (1).
Genome position (GRCh38, 1-based): chr7:151,176,649, G>A on the plus strand (C>T on the coding strand, the complement: ASB10 is on the minus strand). VCF-style: chr7-151176649-G-A. GRCh37 (hg19) VCF-style: chr7-150873736-G-A.
Other names: c.1087C>T, p.Arg363Trp (NM_080871.4); c.1105-352C>T (NM_001142460.1); short protein forms R378W, R363W.
Identifiers: ClinVar variation 728668 (VCV000728668.12), dbSNP rs61628535, ClinGen allele CA4573666.